The following is an entry in ClinVar:

ClinVar aggregate classification (germline): Uncertain significance (1 of 4 stars; one submission).

Submission:

Labcorp Genetics (formerly Invitae), Labcorp
Classification: Uncertain significance. Last evaluated: 2022-07-26. Review status: criteria provided, single submitter. Criteria: Invitae Variant Classification Sherloc (09022015). Collection method: clinical testing. Allele origin: germline.
Comment: This sequence change replaces leucine, which is neutral and non-polar, with proline, which is neutral and non-polar, at codon 567 of the FERMT1 protein (p.Leu567Pro). This variant is not present in population databases (gnomAD no frequency). This variant has not been reported in the literature in individuals affected with FERMT1-related conditions. Algorithms developed to predict the effect of missense changes on protein structure and function (SIFT, PolyPhen-2, Align-GVGD) all suggest that this variant is likely to be disruptive. In summary, the available evidence is currently insufficient to determine the role of this variant in disease. Therefore, it has been classified as a Variant of Uncertain Significance.

NM_017671.5(FERMT1):c.1700T>C (p.Leu567Pro)

Gene: FERMT1 (FERM domain containing kindlin 1; minus strand). Cytogenetic location: 20p12.3.
Variant type: single nucleotide variant.
Coding change: c.1700T>C on transcript NM_017671.5 (MANE Select); coding-DNA position 1700, T replaced by C.
Protein change: p.Leu567Pro; replaces leucine 567 with proline.
Molecular consequence: missense variant.
Genome position (GRCh38, 1-based): chr20:6,084,058, A>G on the plus strand (T>C on the coding strand, the complement: FERMT1 is on the minus strand). VCF-style: chr20-6084058-A-G. GRCh37 (hg19) VCF-style: chr20-6064705-A-G.
Other names: short protein forms L567P.
Identifiers: ClinVar variation 1713839 (VCV001713839.5), dbSNP rs2514688087, ClinGen allele CA408177103.
Genomic context (GRCh38, chr20:6,084,058, plus strand): 5'-ATTGAATGGAAAGTGTGAGAAACAAGTGAACATTGTAATCACCTGACAAGGTAGTAGGTG[A>G]GGCCAAACTCAGGCAGTGACTGCCACGCCTGGATGAACCGCAGCTTGGCTTCGACCAGGG-3'
Protein context (NP_060141.3, residues 557-577): QAWQSLPEFG[Leu567Pro]TYYLVRFKGS